The following is an entry in ClinVar:

ClinVar aggregate classification (germline): Uncertain significance (1 of 4 stars; one submission).

Submission:

Labcorp Genetics (formerly Invitae), Labcorp
Classification: Uncertain significance. Last evaluated: 2022-02-24. Review status: criteria provided, single submitter. Criteria: Invitae Variant Classification Sherloc (09022015). Collection method: clinical testing. Allele origin: germline.
Comment: Algorithms developed to predict the effect of missense changes on protein structure and function output the following: SIFT: "Deleterious"; PolyPhen-2: "Benign"; Align-GVGD: "Class C55". The threonine amino acid residue is found in multiple mammalian species, which suggests that this missense change does not adversely affect protein function. This variant has not been reported in the literature in individuals affected with NEUROD1-related conditions. This variant is not present in population databases (gnomAD no frequency). This sequence change replaces alanine, which is neutral and non-polar, with threonine, which is neutral and polar, at codon 252 of the NEUROD1 protein (p.Ala252Thr). In summary, the available evidence is currently insufficient to determine the role of this variant in disease. Therefore, it has been classified as a Variant of Uncertain Significance.

NM_002500.5(NEUROD1):c.754G>A (p.Ala252Thr)

Gene: NEUROD1 (neuronal differentiation 1; minus strand). Cytogenetic location: 2q31.3.
Variant type: single nucleotide variant.
Coding change: c.754G>A on transcript NM_002500.5 (MANE Select); coding-DNA position 754, G replaced by A.
Protein change: p.Ala252Thr; replaces alanine 252 with threonine.
Molecular consequence: missense variant.
Genome position (GRCh38, 1-based): chr2:181,678,107, C>T on the plus strand (G>A on the coding strand, the complement: NEUROD1 is on the minus strand). VCF-style: chr2-181678107-C-T. GRCh37 (hg19) VCF-style: chr2-182542834-C-T.
Other names: short protein forms A252T.
Identifiers: ClinVar variation 2102908 (VCV002102908.4), dbSNP rs2468609649, ClinGen allele CA349783048.